The following is an entry in ClinVar:

ClinVar aggregate classification (germline): Uncertain significance. Review status: criteria provided, multiple submitters, no conflicts (2 of 4 stars). 2 submissions from 2 submitters: Uncertain significance (2). Last evaluated 2026-06-12.

Conditions:
3-methylglutaconic aciduria, type VIIB (MGCA7B). Also called: CLPB Deficiency; 3-methylglutaconic aciduria with cataracts, neurologic involvement and neutropenia; 3-methylglutaconic aciduria, type VII, with cataracts, neurologic involvement and neutropenia. Identifiers: Orphanet 445038, MedGen C5676893, MONDO:0014561, OMIM 616271.

gnomAD v4.1: 2 of 1,611,880 alleles (0.00012%); highest among the groups gnomAD compares: Admixed American, 0.0017%; no homozygotes.

Submissions (2):

Women's Health and Genetics/Laboratory Corporation of America, LabCorp
Classification: Uncertain significance. Last evaluated: 2026-06-12. Review status: criteria provided, single submitter. Criteria: LabCorp Variant Classification Summary - May 2015. Collection method: clinical testing. Allele origin: germline.
Comment: Variant summary: CLPB c.358G>T (p.Ala120Ser) results in a conservative amino acid change in the encoded protein sequence. Algorithms developed to predict the effect of missense changes on protein structure and function are either unavailable or do not agree on the potential impact of this missense change. The variant allele was found at a frequency of 4e-06 in 248106 control chromosomes. The available data on variant occurrences in the general population are insufficient to allow any conclusion about variant significance. To our knowledge, no occurrence of c.358G>T in individuals affected with CLPB-related conditions and no experimental evidence demonstrating its impact on protein function have been reported. ClinVar contains an entry for this variant (Variation ID: 4773390). Based on the evidence outlined above, the variant was classified as uncertain significance.

Labcorp Genetics (formerly Invitae), Labcorp
Classification: Uncertain significance for 3-methylglutaconic aciduria, type VIIB. Last evaluated: 2025-07-21. Review status: criteria provided, single submitter. Criteria: Invitae Variant Classification Sherloc (09022015). Collection method: clinical testing. Allele origin: germline.
Comment: This sequence change replaces alanine, which is neutral and non-polar, with serine, which is neutral and polar, at codon 120 of the CLPB protein (p.Ala120Ser). The frequency data for this variant in the population databases is considered unreliable, as metrics indicate poor data quality at this position in the gnomAD database. This variant has not been reported in the literature in individuals affected with CLPB-related conditions. An algorithm developed to predict the effect of missense changes on protein structure and function (PolyPhen-2) suggests that this variant is likely to be tolerated. In summary, the available evidence is currently insufficient to determine the role of this variant in disease. Therefore, it has been classified as a Variant of Uncertain Significance.

NM_001258392.3(CLPB):c.358G>T (p.Ala120Ser)

Gene: CLPB (ClpB family mitochondrial disaggregase; minus strand). Cytogenetic location: 11q13.4.
Variant type: single nucleotide variant.
Coding change: c.358G>T on transcript NM_001258392.3 (MANE Select); coding-DNA position 358, G replaced by T.
Protein change: p.Ala120Ser; replaces alanine 120 with serine.
Molecular consequence: missense variant.
Genome position (GRCh38, 1-based): chr11:72,434,117, C>A on the plus strand (G>T on the coding strand, the complement: CLPB is on the minus strand). VCF-style: chr11-72434117-C-A. GRCh37 (hg19) VCF-style: chr11-72145161-C-A.
Other names: c.358G>T, p.Ala120Ser (NM_001258393.3, NM_030813.6); c.116G>T, p.Arg39Leu (NM_001258394.3); short protein forms R39L, A120S.
Identifiers: ClinVar variation 4773390 (VCV004773390.2).